The following is an entry in ClinVar:

NM_000182.5(HADHA):c.6_24dup (p.Ile9fs)

Genes: HADHA (hydroxyacyl-CoA dehydrogenase trifunctional multienzyme complex subunit alpha; minus strand), HADHB (hydroxyacyl-CoA dehydrogenase trifunctional multienzyme complex subunit beta; plus strand). Cytogenetic location: 2p23.3.
Variant type: Duplication.
Coding change: c.6_24dup on transcript NM_000182.5 (MANE Select); coding-DNA positions 6 to 24, 19 bases duplicated (GGCCTGCCGGGCGATTGGC).
Protein change: p.Ile9fs; shifts the reading frame from isoleucine 9.
Molecular consequence: frameshift variant.
Genome position (GRCh38, 1-based): chr2:26,244,573-26,244,591, GCCAATCGCCCGGCAGGCC duplicated on the plus strand (GGCCTGCCGGGCGATTGGC on the coding strand, the reverse complement: HADHA is on the minus strand). VCF-style (leftmost placement, unchanged base first): chr2-26244572-T-TGCCAATCGCCCGGCAGGCC. GRCh37 (hg19) VCF-style: chr2-26467440-T-TGCCAATCGCCCGGCAGGCC.
Other names: c.6_24dupGGCCTGCCGGGCGATTGGC (NM_000182.4); c.6_24dup19 (NM_000182.5); short protein forms I9fs.
Identifiers: ClinVar variation 579792 (VCV000579792.8), dbSNP rs1456890163, ClinGen allele CA767271615.

ClinVar aggregate classification (germline): Pathogenic. Review status: criteria provided, multiple submitters, no conflicts (2 of 4 stars). 2 submissions from 2 submitters: Pathogenic (2). Last evaluated 2026-02-18.

Conditions:
Mitochondrial trifunctional protein deficiency. Identifiers: Orphanet 746, MedGen C1969443, MONDO:0012172.
Long chain 3-hydroxyacyl-CoA dehydrogenase deficiency. Also called: Deficiency of long-chain 3-hydroxyacyl-coenzyme A dehydrogenase; LCHAD Deficiency. Identifiers: Orphanet 5, MedGen C3711645, MONDO:0012173, OMIM 609016.

Submissions (2):

Women's Health and Genetics/Laboratory Corporation of America, LabCorp
Classification: Pathogenic for Long chain 3-hydroxyacyl-CoA dehydrogenase deficiency. Last evaluated: 2026-02-18. Review status: criteria provided, single submitter. Criteria: LabCorp Variant Classification Summary - May 2015. Collection method: clinical testing. Allele origin: germline.
Comment: Variant summary: HADHA c.6_24dup19 (p.Ile9GlyfsX40) results in a premature termination codon, predicted to cause a truncation of the encoded protein or absence of the protein due to nonsense mediated decay, which are commonly known mechanisms for disease. The variant was absent in 206766 control chromosomes. To our knowledge, no occurrence of c.6_24dup19 in individuals affected with HADHA-related conditions and no experimental evidence demonstrating its impact on protein function have been reported. ClinVar contains an entry for this variant (Variation ID: 579792). Based on the evidence outlined above, the variant was classified as pathogenic.

Labcorp Genetics (formerly Invitae), Labcorp
Classification: Pathogenic for Mitochondrial trifunctional protein deficiency; Long chain 3-hydroxyacyl-CoA dehydrogenase deficiency. Last evaluated: 2025-12-30. Review status: criteria provided, single submitter. Criteria: Invitae Variant Classification Sherloc (09022015). Collection method: clinical testing. Allele origin: germline.
Comment: This sequence change creates a premature translational stop signal (p.Ile9Glyfs*40) in the HADHA gene. It is expected to result in an absent or disrupted protein product. Loss-of-function variants in HADHA are known to be pathogenic (PMID: 7738175, 21103935, 21549624, 22459206). This variant is not present in population databases (gnomAD no frequency). This variant has not been reported in the literature in individuals affected with HADHA-related conditions. ClinVar contains an entry for this variant (Variation ID: 579792). For these reasons, this variant has been classified as Pathogenic.

Literature cited by the submitters: PubMed 7738175 (cited by Labcorp Genetics (formerly Invitae), Labcorp); PubMed 21103935 (cited by Labcorp Genetics (formerly Invitae), Labcorp); PubMed 21549624 (cited by Labcorp Genetics (formerly Invitae), Labcorp); PubMed 22459206 (cited by Labcorp Genetics (formerly Invitae), Labcorp).